The following is an entry in ClinVar:

NM_001130009.3(GEN1):c.736T>C (p.Cys246Arg)

Gene: GEN1 (GEN1 Holliday junction 5' flap endonuclease; plus strand). Cytogenetic location: 2p24.2.
Variant type: single nucleotide variant.
Coding change: c.736T>C on transcript NM_001130009.3 (MANE Select); coding-DNA position 736, T replaced by C.
Protein change: p.Cys246Arg; replaces cysteine 246 with arginine.
Molecular consequence: missense variant.
Genome position (GRCh38, 1-based): chr2:17,771,221, T>C. VCF-style: chr2-17771221-T-C. GRCh37 (hg19) VCF-style: chr2-17952488-T-C.
Other names: c.736T>C, p.Cys246Arg (NM_182625.5); short protein forms C246R.
Identifiers: ClinVar variation 3853521 (VCV003853521.1).

ClinVar aggregate classification (germline): Uncertain significance (1 of 4 stars; one submission).

Submission:

Ambry Genetics
Classification: Uncertain significance. Last evaluated: 2025-01-20. Review status: criteria provided, single submitter. Criteria: Ambry Variant Classification Scheme 2023. Collection method: clinical testing. Allele origin: germline.
Comment: The p.C246R variant (also known as c.736T>C), located in coding exon 6 of the GEN1 gene, results from a T to C substitution at nucleotide position 736. The cysteine at codon 246 is replaced by arginine, an amino acid with highly dissimilar properties. This amino acid position is conserved. In addition, this alteration is predicted to be tolerated by in silico analysis. Based on the available evidence, the clinical significance of this variant remains unclear.